The following is an entry in ClinVar:

NM_001308093.3(GATA4):c.1037G>T (p.Gly346Val)

Gene: GATA4 (GATA binding protein 4). Cytogenetic location: 8p23.1.
Variant type: single nucleotide variant.
Coding change: c.1037G>T on transcript NM_001308093.3 (MANE Select); coding-DNA position 1037, G replaced by T.
Protein change: p.Gly346Val; replaces glycine 346 with valine.
Molecular consequence: missense variant.
Genome position (GRCh38, 1-based): chr8:11,756,971, G>T. VCF-style: chr8-11756971-G-T. GRCh37 (hg19) VCF-style: chr8-11614480-G-T.
Other names: c.416G>T, p.Gly139Val (NM_001308094.2, NM_001374273.1); c.290G>T, p.Gly97Val (NM_001374274.1); c.1034G>T, p.Gly345Val (NM_002052.5); short protein forms G97V, G346V, G139V, G345V.
Identifiers: ClinVar variation 4614233 (VCV004614233.2).
Genomic context (GRCh38, chr8:11,756,971, plus strand): 5'-TGTGCTGACTCTGCTTCATTCCAGCTCCTTCAGGCAGTGAGAGCCTTCCTCCCGCCAGCG[G>T]TGCTTCCAGCAACTCCAGCAACGCCACCACCAGCAGCAGCGAGGAGATGCGTCCCATCAA-3'
Protein context (NP_001295022.1, residues 336-356): SGSESLPPAS[Gly346Val]ASSNSSNATT

ClinVar aggregate classification (germline): Uncertain significance. Review status: criteria provided, multiple submitters, no conflicts (2 of 4 stars). 2 submissions from 2 submitters: Uncertain significance (2). Last evaluated 2025-10-27.

Conditions:
Atrioventricular septal defect 4 (AVSD4). Identifiers: MedGen C3280781, MONDO:0013747, OMIM 614430.
Cardiovascular phenotype. Identifiers: MedGen CN230736.

gnomAD v4.1: 3 of 1,614,244 alleles (0.00019%); highest among the groups gnomAD compares: Non-Finnish European, 0.00025%; no homozygotes.

Submissions (2):

Ambry Genetics
Classification: Uncertain significance for Cardiovascular phenotype. Last evaluated: 2025-10-27. Review status: criteria provided, single submitter. Criteria: Ambry Variant Classification Scheme 2023. Collection method: clinical testing. Allele origin: germline.
Comment: The p.G345V variant (also known as c.1034G>T), located in coding exon 5 of the GATA4 gene, results from a G to T substitution at nucleotide position 1034. The glycine at codon 345 is replaced by valine, an amino acid with dissimilar properties. This amino acid position is conserved. In addition, the in silico prediction for this alteration is inconclusive. Based on the available evidence, the clinical significance of this variant remains unclear.

Labcorp Genetics (formerly Invitae), Labcorp
Classification: Uncertain significance for Atrioventricular septal defect 4. Last evaluated: 2025-04-22. Review status: criteria provided, single submitter. Criteria: Invitae Variant Classification Sherloc (09022015). Collection method: clinical testing. Allele origin: germline.
Comment: This sequence change replaces glycine, which is neutral and non-polar, with valine, which is neutral and non-polar, at codon 345 of the GATA4 protein (p.Gly345Val). This variant is not present in population databases (gnomAD no frequency). This variant has not been reported in the literature in individuals affected with GATA4-related conditions. Invitae Evidence Modeling of protein sequence and biophysical properties (such as structural, functional, and spatial information, amino acid conservation, physicochemical variation, residue mobility, and thermodynamic stability) indicates that this missense variant is not expected to disrupt GATA4 protein function with a negative predictive value of 95%. In summary, the available evidence is currently insufficient to determine the role of this variant in disease. Therefore, it has been classified as a Variant of Uncertain Significance.